The following is an entry in ClinVar:

NM_019066.5(MAGEL2):c.1334G>T (p.Arg445Leu)

Gene: MAGEL2 (MAGE family member L2; minus strand). Cytogenetic location: 15q11.2.
Variant type: single nucleotide variant.
Coding change: c.1334G>T on transcript NM_019066.5 (MANE Select); coding-DNA position 1334, G replaced by T.
Protein change: p.Arg445Leu; replaces arginine 445 with leucine.
Molecular consequence: missense variant.
Genome position (GRCh38, 1-based): chr15:23,646,409, C>A on the plus strand (G>T on the coding strand, the complement: MAGEL2 is on the minus strand). VCF-style: chr15-23646409-C-A. GRCh37 (hg19) VCF-style: chr15-23891556-C-A.
Other names: short protein forms R445L.
Identifiers: ClinVar variation 2644993 (VCV002644993.24), dbSNP rs1474258640, ClinGen allele CA391334429.

ClinVar aggregate classification (germline): Uncertain significance (1 of 4 stars; one submission).

Allele frequency attached by ClinVar (database versions not stated): gnomAD exomes 0.00001.

Submission:

CeGaT Center for Human Genetics Tuebingen
Classification: Uncertain significance. Last evaluated: 2025-03-01. Review status: criteria provided, single submitter. Criteria: CeGaT Center For Human Genetics Tuebingen Variant Classification Criteria Version 2. Collection method: clinical testing. Allele origin: germline. Affected: yes. Observed: 2 variant alleles.
Comment: MAGEL2: PM2:Supporting